The following is an entry in ClinVar:

ClinVar aggregate classification (germline): Likely benign. Review status: criteria provided, multiple submitters, no conflicts (2 of 4 stars). 2 submissions from 2 submitters: Likely benign (2). Last evaluated 2024-02-07.

Conditions:
Intellectual developmental disorder, autosomal dominant 6, with or without seizures. Also called: GRIN2B-related developmental delay, intellectual disability and autism spectrum disorder; Intellectual disability, autosomal dominant 6. Identifiers: Orphanet 589547, MedGen C3151411, MONDO:0013509, OMIM 613970.
Developmental and epileptic encephalopathy, 27 (DEE27). Also called: Epileptic encephalopathy, early infantile, 27; GRIN2B-Related Neurodevelopmental Disorder. Identifiers: Orphanet 3451, MedGen C4015316, MONDO:0014505, OMIM 616139.

Allele frequency attached by ClinVar (database versions not stated): gnomAD exomes 0.00001.
gnomAD v4.1: 16 of 1,612,288 alleles (0.00099%); highest among the groups gnomAD compares: South Asian, 0.012%; no homozygotes.

Submissions (2):

Labcorp Genetics (formerly Invitae), Labcorp
Classification: Likely benign for Developmental and epileptic encephalopathy, 27; Intellectual developmental disorder, autosomal dominant 6, with or without seizures. Last evaluated: 2024-02-07. Review status: criteria provided, single submitter. Criteria: Invitae Variant Classification Sherloc (09022015). Collection method: clinical testing. Allele origin: germline.

GeneDx
Classification: Likely benign. Last evaluated: 2016-05-26. Review status: criteria provided, single submitter. Criteria: GeneDx Variant Classification (06012015). Collection method: clinical testing. Allele origin: germline. Affected: yes.
Comment: This variant is considered likely benign or benign based on one or more of the following criteria: it is a conservative change, it occurs at a poorly conserved position in the protein, it is predicted to be benign by multiple in silico algorithms, and/or has population frequency not consistent with disease.

NM_000834.5(GRIN2B):c.444A>G (p.Pro148=)

Gene: GRIN2B (glutamate ionotropic receptor NMDA type subunit 2B; minus strand). Cytogenetic location: 12p13.1.
Variant type: single nucleotide variant.
Coding change: c.444A>G on transcript NM_000834.5 (MANE Select); coding-DNA position 444, A replaced by G.
Protein change: p.Pro148=; no amino-acid change (proline 148 retained).
Molecular consequence: synonymous variant.
Genome position (GRCh38, 1-based): chr12:13,753,883, T>C on the plus strand (A>G on the coding strand, the complement: GRIN2B is on the minus strand). VCF-style: chr12-13753883-T-C. GRCh37 (hg19) VCF-style: chr12-13906817-T-C.
Identifiers: ClinVar variation 386435 (VCV000386435.10), dbSNP rs200658883, ClinGen allele CA6461399.
Genomic context (GRCh38, chr12:13,753,883, plus strand): 5'-GATGTACCAGTCATATTCTTCCATGATGTTGAGCATTACGGAAGCTTGCTGTTCAATTGA[T>C]GGGCCAAACTGGAAGAACATGGAGGATTCATCCTAGAAAAAGAACAGGACAAAAAAAGGA-3'
Protein context (NP_000825.2, residues 138-158): DESSMFFQFG[Pro148=]SIEQQASVML